The following is an entry in ClinVar:

NM_001029896.2(WDR45):c.827+19C>T

Gene: WDR45 (WD repeat domain 45; minus strand). Cytogenetic location: Xp11.23.
Variant type: single nucleotide variant.
Coding change: c.827+19C>T on transcript NM_001029896.2 (MANE Select); 19 bases into the intron after coding-DNA position 827, C replaced by T.
Molecular consequence: intron variant.
Genome position (GRCh38, 1-based): chrX:49,075,345, G>A on the plus strand (C>T on the coding strand, the complement: WDR45 is on the minus strand). VCF-style: chrX-49075345-G-A. GRCh37 (hg19) VCF-style: chrX-48933004-G-A.
Other names: c.830+19C>T (NM_007075.4).
Identifiers: ClinVar variation 512144 (VCV000512144.5), dbSNP rs1461680023, ClinGen allele CA641902657.

ClinVar aggregate classification (germline): Likely benign. Review status: criteria provided, multiple submitters, no conflicts (2 of 4 stars). 2 submissions from 2 submitters: Likely benign (2). Last evaluated 2025-10-06.

Conditions:
Neurodegeneration with brain iron accumulation 5 (NBIA5). Also called: Beta-propeller protein-associated neurodegeneration; STATIC ENCEPHALOPATHY OF CHILDHOOD WITH NEURODEGENERATION IN ADULTHOOD. Identifiers: Orphanet 329284, MedGen C3550973, MONDO:0010476, OMIM 300894.

Allele frequency attached by ClinVar (database versions not stated): gnomAD exomes below 0.00001; gnomAD 0.00002; TOPMed 0.00004.
gnomAD v4.1: 7 of 1,206,398 alleles (0.00058%); highest among the groups gnomAD compares: Admixed American, 0.0066%; no homozygotes.

Submissions (2):

Labcorp Genetics (formerly Invitae), Labcorp
Classification: Likely benign for Neurodegeneration with brain iron accumulation 5. Last evaluated: 2025-10-06. Review status: criteria provided, single submitter. Criteria: Invitae Variant Classification Sherloc (09022015). Collection method: clinical testing. Allele origin: germline.

GeneDx
Classification: Likely benign. Last evaluated: 2017-09-18. Review status: criteria provided, single submitter. Criteria: GeneDx Variant Classification (06012015). Collection method: clinical testing. Allele origin: germline. Affected: yes.
Comment: This variant is considered likely benign or benign based on one or more of the following criteria: it is a conservative change, it occurs at a poorly conserved position in the protein, it is predicted to be benign by multiple in silico algorithms, and/or has population frequency not consistent with disease.